The following is an entry in ClinVar:

ClinVar aggregate classification (germline): Pathogenic (1 of 4 stars; one submission).

Conditions:
X-linked agammaglobulinemia (XLA). Also called: Agammaglobulinemia, Bruton tyrosine kinase; Agammaglobulinemia, BTK; BTK-deficiency; IMMUNODEFICIENCY 1; Bruton-type agammaglobulinemia; Bruton's agammaglobulinemia. Identifiers: Orphanet 229717, Orphanet 47, MedGen C0221026, MONDO:0010421, OMIM 300755.

Submission:

Women's Health and Genetics/Laboratory Corporation of America, LabCorp
Classification: Pathogenic for X-linked agammaglobulinemia. Last evaluated: 2024-06-04. Review status: criteria provided, single submitter. Criteria: LabCorp Variant Classification Summary - May 2015. Collection method: clinical testing. Allele origin: germline.
Comment: Variant summary: BTK c.310dupG (p.Val104GlyfsX4) results in a premature termination codon, predicted to cause absence of the protein due to nonsense mediated decay, which is a commonly known mechanism for disease. The variant was absent in 182591 control chromosomes (gnomAD). To our knowledge, no occurrence of c.310dupG in individuals affected with X-Linked Agammaglobulinemia and no experimental evidence demonstrating its impact on protein function have been reported. No submitters have cited clinical-significance assessments for this variant to ClinVar. Based on the evidence outlined above, the variant was classified as pathogenic.

NM_000061.3(BTK):c.310dupG

Gene: BTK (Bruton tyrosine kinase; minus strand). Cytogenetic location: Xq22.1.
Variant type: Duplication.
Coding change: c.310dupG on transcript NM_000061.3 (MANE Select); coding-DNA position 310, one base duplicated (G).
Molecular consequence: splice acceptor variant.
Genome position (GRCh38, 1-based): chrX:101,370,079, C duplicated on the plus strand (G on the coding strand, the reverse complement: BTK is on the minus strand); the first of 2 consecutive C bases (chrX:101,370,079-101,370,080); duplicating either gives the same sequence. VCF-style (leftmost placement, unchanged base first): chrX-101370078-A-AC. GRCh37 (hg19) VCF-style: chrX-100625066-A-AC.
Identifiers: ClinVar variation 3339749 (VCV003339749.1).